The following is an entry in ClinVar:

NM_152296.5(ATP1A3):c.2580T>G (p.Phe860Leu)

Gene: ATP1A3 (ATPase Na+/K+ transporting subunit alpha 3; minus strand). Cytogenetic location: 19q13.2.
Variant type: single nucleotide variant.
Coding change: c.2580T>G on transcript NM_152296.5 (MANE Select); coding-DNA position 2580, T replaced by G.
Protein change: p.Phe860Leu; replaces phenylalanine 860 with leucine.
Molecular consequence: missense variant.
Genome position (GRCh38, 1-based): chr19:41,969,543, A>C on the plus strand (T>G on the coding strand, the complement: ATP1A3 is on the minus strand). VCF-style: chr19-41969543-A-C. GRCh37 (hg19) VCF-style: chr19-42473695-A-C.
Other names: p.(Phe860Leu); c.2613T>G, p.Phe871Leu (NM_001256213.2); c.2619T>G, p.Phe873Leu (NM_001256214.2); short protein forms F860L, F871L, F873L.
Identifiers: ClinVar variation 1804304 (VCV001804304.1), dbSNP rs2514030075, ClinGen allele CA406038209.

ClinVar aggregate classification (germline): Uncertain significance (1 of 4 stars; one submission).

Submission:

GeneDx
Classification: Uncertain significance. Last evaluated: 2022-06-14. Review status: criteria provided, single submitter. Criteria: GeneDx Variant Classification Process June 2021. Collection method: clinical testing. Allele origin: germline. Affected: yes.
Comment: Not observed at significant frequency in large population cohorts (gnomAD); In silico analysis supports that this missense variant has a deleterious effect on protein structure/function; Has not been previously published as pathogenic or benign to our knowledge